The following is an entry in ClinVar:

ClinVar aggregate classification (germline): Pathogenic (1 of 4 stars; one submission).

Conditions:
Ehlers-Danlos syndrome, classic-like, 2. Identifiers: Orphanet 536532, MedGen C4693870, MONDO:0054813, OMIM 618000.

Submission:

Baylor Genetics
Classification: Pathogenic for Ehlers-Danlos syndrome, classic-like, 2. Last evaluated: 2019-03-22. Review status: criteria provided, single submitter. Criteria: ACMG Guidelines, 2015. Collection method: clinical testing. Allele origin: inherited. Affected: yes.
Comment: This variant was determined to be pathogenic according to ACMG Guidelines, 2015 [PMID:25741868].

NM_001129.5(AEBP1):c.2853C>A (p.Tyr951Ter)

Gene: AEBP1 (AE binding protein 1; plus strand). Cytogenetic location: 7p13.
Variant type: single nucleotide variant.
Coding change: c.2853C>A on transcript NM_001129.5 (MANE Select); coding-DNA position 2853, C replaced by A.
Protein change: p.Tyr951Ter; replaces tyrosine 951 with a stop codon.
Molecular consequence: nonsense.
Genome position (GRCh38, 1-based): chr7:44,113,637, C>A. VCF-style: chr7-44113637-C-A. GRCh37 (hg19) VCF-style: chr7-44153236-C-A.
Other names: short protein forms Y951*.
Identifiers: ClinVar variation 1030176 (VCV001030176.1), dbSNP rs2096232673, ClinGen allele CA367373168.